The following is an entry in ClinVar:

ClinVar aggregate classification (germline): Uncertain significance (1 of 4 stars; one submission).

Conditions:
Congenital prothrombin deficiency. Also called: Hereditary factor II deficiency disease; Factor II deficiency; Inherited hypoprothrombinemia; Congenital factor II deficiency; Inherited prothrombin deficiency; HYPOPROTHROMBINEMIA. Identifiers: Orphanet 325, MedGen C0272317, MONDO:0013361, OMIM 613679.

Allele frequency attached by ClinVar (database versions not stated): ExAC 0.00001; TOPMed 0.00004; gnomAD 0.00006; ESP Exome Variant Server 0.00008.
gnomAD v4.1: 25 of 1,609,906 alleles (0.0016%); highest among the groups gnomAD compares: African/African-American, 0.0067%; no homozygotes.

Submission:

Labcorp Genetics (formerly Invitae), Labcorp
Classification: Uncertain significance for Congenital prothrombin deficiency. Last evaluated: 2023-09-05. Review status: criteria provided, single submitter. Criteria: Invitae Variant Classification Sherloc (09022015). Collection method: clinical testing. Allele origin: germline.
Comment: Advanced modeling of protein sequence and biophysical properties (such as structural, functional, and spatial information, amino acid conservation, physicochemical variation, residue mobility, and thermodynamic stability) performed at Invitae indicates that this missense variant is not expected to disrupt F2 protein function. In summary, the available evidence is currently insufficient to determine the role of this variant in disease. Therefore, it has been classified as a Variant of Uncertain Significance. This variant has not been reported in the literature in individuals affected with F2-related conditions. This variant is present in population databases (rs150569436, gnomAD 0.004%). This sequence change replaces isoleucine, which is neutral and non-polar, with threonine, which is neutral and polar, at codon 426 of the F2 protein (p.Ile426Thr).

NM_000506.5(F2):c.1277T>C (p.Ile426Thr)

Gene: F2 (coagulation factor II, thrombin; plus strand). Cytogenetic location: 11p11.2.
Variant type: single nucleotide variant.
Coding change: c.1277T>C on transcript NM_000506.5 (MANE Select); coding-DNA position 1277, T replaced by C.
Protein change: p.Ile426Thr; replaces isoleucine 426 with threonine.
Molecular consequence: missense variant.
Genome position (GRCh38, 1-based): chr11:46,728,142, T>C. VCF-style: chr11-46728142-T-C. GRCh37 (hg19) VCF-style: chr11-46749692-T-C.
Other names: short protein forms I426T.
Identifiers: ClinVar variation 2920253 (VCV002920253.2), dbSNP rs150569436, ClinGen allele CA5967220.